The following is an entry in ClinVar:

NM_198495.3(CTAGE4):c.762C>T (p.His254=)

Gene: CTAGE4 (CTAGE family member 4; plus strand). Cytogenetic location: 7q35.
Variant type: single nucleotide variant.
Coding change: c.762C>T on transcript NM_198495.3 (MANE Select); coding-DNA position 762, C replaced by T.
Protein change: p.His254=; no amino-acid change (histidine 254 retained).
Molecular consequence: synonymous variant.
Genome position (GRCh38, 1-based): chr7:144,184,265, C>T. VCF-style: chr7-144184265-C-T. GRCh37 (hg19) VCF-style: chr7-143881358-C-T.
Identifiers: ClinVar variation 4084410 (VCV004084410.8).

ClinVar aggregate classification (germline): Likely benign (1 of 4 stars; one submission).

Submission:

CeGaT Center for Human Genetics Tuebingen
Classification: Likely benign. Last evaluated: 2025-07-01. Review status: criteria provided, single submitter. Criteria: CeGaT Center For Human Genetics Tuebingen Variant Classification Criteria Version 2. Collection method: clinical testing. Allele origin: germline. Affected: yes. Observed: 1 variant allele.
Comment: CTAGE4: BP4, BP7